The following is an entry in ClinVar:

NM_017763.6(RNF43):c.1587G>A (p.Arg529=)

Gene: RNF43 (ring finger protein 43; minus strand). Cytogenetic location: 17q22.
Variant type: single nucleotide variant.
Coding change: c.1587G>A on transcript NM_017763.6 (MANE Select); coding-DNA position 1587, G replaced by A.
Protein change: p.Arg529=; no amino-acid change (arginine 529 retained).
Molecular consequence: synonymous variant.
Genome position (GRCh38, 1-based): chr17:58,358,189, C>T on the plus strand (G>A on the coding strand, the complement: RNF43 is on the minus strand). VCF-style: chr17-58358189-C-T. GRCh37 (hg19) VCF-style: chr17-56435550-C-T.
Other names: c.1587G>A, p.Arg529= (NM_001305544.3, NM_001438820.1, NM_001438821.1 and 1 more transcripts); c.1206G>A, p.Arg402= (NM_001305545.2, NM_001437987.1).
Identifiers: ClinVar variation 5042367 (VCV005042367.1).

ClinVar aggregate classification (germline): Benign (1 of 4 stars; one submission).

Conditions:
Sessile serrated polyposis cancer syndrome (SSPCS). Identifiers: Orphanet 157798, MedGen C4310714, MONDO:0014919, OMIM 617108.

Submission:

Myriad Genetics, Inc.
Classification: Benign for Sessile serrated polyposis cancer syndrome. Last evaluated: 2026-07-02. Review status: criteria provided, single submitter. Criteria: Myriad Autosomal Dominant, Autosomal Recessive and X-Linked Classification Criteria (2023). Collection method: clinical testing. Allele origin: unknown.
Comment: This variant is considered benign. This variant is a silent/synonymous amino acid change and it is not expected to impact splicing.